The following is an entry in ClinVar:

ClinVar aggregate classification (germline): Conflicting classifications of pathogenicity. Review status: criteria provided, conflicting classifications (1 of 4 stars). 2 submissions from 2 submitters: Uncertain significance (1); Likely benign (1). Last evaluated 2023-03-23.

Conditions:
Hereditary cancer-predisposing syndrome. Also called: Neoplastic Syndromes, Hereditary; Tumor predisposition; Hereditary Cancer Syndrome; Hereditary neoplastic syndrome. Identifiers: Orphanet 140162, MedGen C0027672, MeSH D009386, MONDO:0015356.

Submissions (2):

University of Washington Department of Laboratory Medicine, University of Washington
Classification: Likely benign for Hereditary cancer-predisposing syndrome. Last evaluated: 2023-03-23. Review status: criteria provided, single submitter. Criteria: Dines et al. (Genet Med. 2020). Collection method: curation. Allele origin: germline.
Comment: Missense variant in a coldspot region where missense variants are very unlikely to be pathogenic (PMID:31911673).

BRCA2 exon 11 coldspot. Reclassification based on statistical prior probability.

Color Diagnostics, LLC DBA Color Health
Classification: Uncertain significance for Hereditary cancer-predisposing syndrome. Last evaluated: 2021-09-18. Review status: criteria provided, single submitter. Criteria: ACMG Guidelines, 2015. Collection method: clinical testing. Allele origin: germline.
Comment: This missense variant replaces asparagine with lysine at codon 1344 of the BRCA2 protein. Computational prediction suggests that this variant may not impact protein structure and function (internally defined REVEL score threshold <= 0.5, PMID: 27666373). To our knowledge, functional studies have not been reported for this variant. This variant has not been reported in individuals affected with hereditary cancer in the literature. This variant has not been identified in the general population by the Genome Aggregation Database (gnomAD). The available evidence is insufficient to determine the role of this variant in disease conclusively. Therefore, this variant is classified as a Variant of Uncertain Significance.

NM_000059.4(BRCA2):c.4032T>G (p.Asn1344Lys)

Gene: BRCA2 (BRCA2 DNA repair associated; plus strand). Cytogenetic location: 13q13.1.
Variant type: single nucleotide variant.
Coding change: c.4032T>G on transcript NM_000059.4 (MANE Select); coding-DNA position 4032, T replaced by G.
Protein change: p.Asn1344Lys; replaces asparagine 1344 with lysine.
Molecular consequence: missense variant.
Genome position (GRCh38, 1-based): chr13:32,338,387, T>G. VCF-style: chr13-32338387-T-G. GRCh37 (hg19) VCF-style: chr13-32912524-T-G.
Other names: short protein forms N1344K.
Identifiers: ClinVar variation 923990 (VCV000923990.6), dbSNP rs1555283514, ClinGen allele CA387779069.